The following is an entry in ClinVar:

ClinVar aggregate classification (germline): Benign/Likely benign. Review status: criteria provided, multiple submitters, no conflicts (2 of 4 stars). 2 submissions from 2 submitters: Benign (1); Likely benign (1). Last evaluated 2026-06-24.

Conditions:
Hereditary cancer-predisposing syndrome. Also called: Neoplastic Syndromes, Hereditary; Tumor predisposition; Hereditary neoplastic syndrome; Hereditary Cancer Syndrome. Identifiers: Orphanet 140162, MedGen C0027672, MeSH D009386, MONDO:0015356.
Retinoblastoma (RB1). Also called: RETINOBLASTOMA, SOMATIC. Identifiers: Orphanet 790, MedGen C0035335, MeSH D012175, MONDO:0008380, OMIM 180200, HP:0009919. Disease mechanism: loss of function. Inheritance: Both sporadic and heritable forms are tested..

Allele frequency attached by ClinVar (database versions not stated): gnomAD exomes below 0.00001.
gnomAD v4.1: 1 of 1,613,306 alleles (0.000062%); highest among the groups gnomAD compares: Non-Finnish European, 0.000085%; no homozygotes.

Submissions (2):

Myriad Genetics, Inc.
Classification: Benign for Retinoblastoma. Last evaluated: 2026-06-24. Review status: criteria provided, single submitter. Criteria: Myriad Autosomal Dominant, Autosomal Recessive and X-Linked Classification Criteria (2023). Collection method: clinical testing. Allele origin: unknown.
Comment: This variant is considered benign. This variant is a silent/synonymous amino acid change and it is not expected to impact splicing.

Ambry Genetics
Classification: Likely benign for Hereditary cancer-predisposing syndrome. Last evaluated: 2019-08-10. Review status: criteria provided, single submitter. Criteria: Ambry Variant Classification Scheme 2023. Collection method: clinical testing. Allele origin: germline.

NM_000321.3(RB1):c.1116C>T (p.His372=)

Gene: RB1 (RB transcriptional corepressor 1; plus strand). Cytogenetic location: 13q14.2.
Variant type: single nucleotide variant.
Coding change: c.1116C>T on transcript NM_000321.3 (MANE Select); coding-DNA position 1116, C replaced by T.
Protein change: p.His372=; no amino-acid change (histidine 372 retained).
Molecular consequence: synonymous variant.
Genome position (GRCh38, 1-based): chr13:48,368,593, C>T. VCF-style: chr13-48368593-C-T. GRCh37 (hg19) VCF-style: chr13-48942729-C-T.
Other names: c.1116C>T, p.His372= (NM_001407165.1, NM_001407166.1).
Identifiers: ClinVar variation 1796306 (VCV001796306.3), dbSNP rs2138123457, ClinGen allele CA483558345.